The following is an entry in ClinVar:

NM_001271.4(CHD2):c.2793G>T (p.Lys931Asn)

Gene: CHD2 (chromodomain helicase DNA binding protein 2; plus strand). Cytogenetic location: 15q26.1.
Variant type: single nucleotide variant.
Coding change: c.2793G>T on transcript NM_001271.4 (MANE Select); coding-DNA position 2793, G replaced by T.
Protein change: p.Lys931Asn; replaces lysine 931 with asparagine.
Molecular consequence: missense variant.
Genome position (GRCh38, 1-based): chr15:92,979,200, G>T. VCF-style: chr15-92979200-G-T. GRCh37 (hg19) VCF-style: chr15-93522430-G-T.
Other names: short protein forms K931N.
Identifiers: ClinVar variation 1717450 (VCV001717450.6), dbSNP rs2505545548, ClinGen allele CA393894146.

ClinVar aggregate classification (germline): Uncertain significance (1 of 4 stars; one submission).

Conditions:
Developmental and epileptic encephalopathy 94 (DEE94). Also called: CHD2-Related Neurodevelopmental Disorders; Epileptic encephalopathy, childhood-onset. Identifiers: Orphanet 1942, Orphanet 2382, MedGen C3809278, MONDO:0014150, OMIM 615369.

Submission:

Labcorp Genetics (formerly Invitae), Labcorp
Classification: Uncertain significance for Developmental and epileptic encephalopathy 94. Last evaluated: 2022-11-08. Review status: criteria provided, single submitter. Criteria: Invitae Variant Classification Sherloc (09022015). Collection method: clinical testing. Allele origin: germline.
Comment: This sequence change replaces lysine, which is basic and polar, with asparagine, which is neutral and polar, at codon 931 of the CHD2 protein (p.Lys931Asn). In summary, the available evidence is currently insufficient to determine the role of this variant in disease. Therefore, it has been classified as a Variant of Uncertain Significance. Advanced modeling of protein sequence and biophysical properties (such as structural, functional, and spatial information, amino acid conservation, physicochemical variation, residue mobility, and thermodynamic stability) performed at Invitae indicates that this missense variant is not expected to disrupt CHD2 protein function. This variant has not been reported in the literature in individuals affected with CHD2-related conditions. This variant is not present in population databases (gnomAD no frequency).